The following is an entry in ClinVar:

NM_001211.6(BUB1B):c.520A>T (p.Ile174Leu)

Gene: BUB1B (BUB1 mitotic checkpoint serine/threonine kinase B; plus strand). Cytogenetic location: 15q15.1.
Variant type: single nucleotide variant.
Coding change: c.520A>T on transcript NM_001211.6 (MANE Select); coding-DNA position 520, A replaced by T.
Protein change: p.Ile174Leu; replaces isoleucine 174 with leucine.
Molecular consequence: missense variant.
Genome position (GRCh38, 1-based): chr15:40,176,612, A>T. VCF-style: chr15-40176612-A-T. GRCh37 (hg19) VCF-style: chr15-40468813-A-T.
Other names: short protein forms I174L.
Identifiers: ClinVar variation 4599738 (VCV004599738.1).

ClinVar aggregate classification (germline): Uncertain significance (1 of 4 stars; one submission).

Conditions:
Inborn genetic diseases. Identifiers: MedGen C0950123, MeSH D030342.

Submission:

Ambry Genetics
Classification: Uncertain significance for Inborn genetic diseases. Last evaluated: 2025-11-26. Review status: criteria provided, single submitter. Criteria: Ambry Variant Classification Scheme 2023. Collection method: clinical testing. Allele origin: germline.
Comment: The p.I174L variant (also known as c.520A>T), located in coding exon 5 of the BUB1B gene, results from an A to T substitution at nucleotide position 520. The isoleucine at codon 174 is replaced by leucine, an amino acid with highly similar properties. This amino acid position is conserved. In addition, this alteration is predicted to be tolerated by in silico analysis. Based on the available evidence, the clinical significance of this variant remains unclear.